The following is an entry in ClinVar:

ClinVar aggregate classification (germline): Uncertain significance (1 of 4 stars; one submission).

gnomAD v4.1: 1 of 1,613,786 alleles (0.000062%); highest among the groups gnomAD compares: African/African-American, 0.0013%; no homozygotes.

Submission:

GeneDx
Classification: Uncertain significance. Last evaluated: 2024-12-31. Review status: criteria provided, single submitter. Criteria: GeneDx Variant Classification Process June 2021. Collection method: clinical testing. Allele origin: germline. Affected: yes.
Comment: Not observed at significant frequency in large population cohorts (gnomAD); In silico analysis supports that this missense variant has a deleterious effect on protein structure/function; Has not been previously published as pathogenic or benign to our knowledge

NM_001205293.3(CACNA1E):c.4062C>G (p.His1354Gln)

Gene: CACNA1E (calcium voltage-gated channel subunit alpha1 E; plus strand). Cytogenetic location: 1q25.3.
Variant type: single nucleotide variant.
Coding change: c.4062C>G on transcript NM_001205293.3 (MANE Select); coding-DNA position 4062, C replaced by G.
Protein change: p.His1354Gln; replaces histidine 1354 with glutamine.
Molecular consequence: missense variant.
Genome position (GRCh38, 1-based): chr1:181,756,028, C>G. VCF-style: chr1-181756028-C-G. GRCh37 (hg19) VCF-style: chr1-181725164-C-G.
Other names: c.4062C>G, p.His1354Gln (NM_000721.4); c.4005C>G, p.His1335Gln (NM_001205294.2); short protein forms H1335Q, H1354Q.
Identifiers: ClinVar variation 3907713 (VCV003907713.1).